The following is an entry in ClinVar:

ClinVar aggregate classification (germline): Pathogenic. Review status: criteria provided, multiple submitters, no conflicts (2 of 4 stars). 2 submissions from 2 submitters: Pathogenic (2). Last evaluated 2025-08-05.

Conditions:
Lysosomal acid lipase deficiency. Also called: Acid cholesteryl ester hydrolase deficiency, type 2. Identifiers: Orphanet 275761, MedGen C5574740, MONDO:0800449, MONDO:0010204.

Submissions (2):

Myriad Genetics, Inc.
Classification: Pathogenic for Lysosomal acid lipase deficiency. Last evaluated: 2025-08-05. Review status: criteria provided, single submitter. Criteria: Myriad Autosomal Dominant, Autosomal Recessive and X-Linked Classification Criteria (2023). Collection method: clinical testing. Allele origin: unknown.
Comment: NM_000235.2(LIPA):c.538+1G>A is a variant in a canonical splice site classified as pathogenic in the context of lysosomal acid lipase deficiency. c.538+1G>A has been observed in a case with relevant disease (PMID: 33857477). Relevant functional assessments of this variant are not available in the literature. c.538+1G>A has not been observed in referenced population frequency databases. In summary, NM_000235.2(LIPA):c.538+1G>A is a variant in a canonical splice site in a gene where loss of function is a known mechanism of disease, is predicted to disrupt protein function, and has been observed more frequently in cases with the relevant disease than in healthy populations. Please note: this variant was assessed in the context of healthy population screening.

Natera, Inc.
Classification: Pathogenic for Lysosomal acid lipase deficiency. Last evaluated: 2025-02-04. Review status: criteria provided, single submitter. Criteria: Natera Variant Classification Schema (03/2026). Collection method: clinical testing. Allele origin: germline.
Comment: The c.538+1G>A variant in LIPA is a canonical splice donor site variant predicted to affect pre-mRNA splicing, which may result in an abnormal transcript and altered protein product. This variant is expected to result in nonsense mediated decay, truncation, or a dysfunctional protein product. This variant is rare in the general population with a frequency below the threshold expected for the associated phenotype(s). This variant has been observed in one or more individuals affected with the associated recessive disease, as either homozygous or compound heterozygous with a second variant (PMID: 33857477). Given the available evidence, this variant is classified as Pathogenic.

Literature cited by the submitters: PubMed 33857477 (cited by Myriad Genetics, Inc. and Natera, Inc.).

NM_000235.4(LIPA):c.538+1G>A

Gene: LIPA (lipase A, lysosomal acid type; minus strand). Cytogenetic location: 10q23.31.
Variant type: single nucleotide variant.
Coding change: c.538+1G>A on transcript NM_000235.4 (MANE Select); the canonical splice donor site of the intron after coding-DNA position 538, G replaced by A.
Molecular consequence: splice donor variant.
Genome position (GRCh38, 1-based): chr10:89,226,894, C>T on the plus strand (G>A on the coding strand, the complement: LIPA is on the minus strand). VCF-style: chr10-89226894-C-T. GRCh37 (hg19) VCF-style: chr10-90986651-C-T.
Other names: c.538+1G>A (NM_001127605.3); c.190+1G>A (NM_001288979.2).
Identifiers: ClinVar variation 4069969 (VCV004069969.3).
Genomic context (GRCh38, chr10:89,226,894, plus strand): 5'-AAAAGTACAAACTCTGTAATGAAGAATTTATATCAACTTCTGATCTTATTTACATACATA[C>T]CTATAGTGGTGCCTTGAGAATGACCCACATAATACACTTGTTCTTGGCCAGTTTTATTCA-3'